The following is an entry in ClinVar:

ClinVar aggregate classification (germline): Uncertain significance (1 of 4 stars; one submission).

Submission:

GeneDx
Classification: Uncertain significance. Last evaluated: 2023-04-28. Review status: criteria provided, single submitter. Criteria: GeneDx Variant Classification Process June 2021. Collection method: clinical testing. Allele origin: germline. Affected: yes.
Comment: Not observed at significant frequency in large population cohorts (gnomAD); In silico analysis supports that this missense variant does not alter protein structure/function; Has not been previously published as pathogenic or benign to our knowledge

NM_003482.4(KMT2D):c.384C>G (p.His128Gln)

Gene: KMT2D (lysine methyltransferase 2D; minus strand). Cytogenetic location: 12q13.12.
Variant type: single nucleotide variant.
Coding change: c.384C>G on transcript NM_003482.4 (MANE Select); coding-DNA position 384, C replaced by G.
Protein change: p.His128Gln; replaces histidine 128 with glutamine.
Molecular consequence: missense variant.
Genome position (GRCh38, 1-based): chr12:49,054,544, G>C on the plus strand (C>G on the coding strand, the complement: KMT2D is on the minus strand). VCF-style: chr12-49054544-G-C. GRCh37 (hg19) VCF-style: chr12-49448327-G-C.
Other names: short protein forms H128Q.
Identifiers: ClinVar variation 2661942 (VCV002661942.1), dbSNP rs2120710557, ClinGen allele CA384687871.
Genomic context (GRCh38, chr12:49,054,544, plus strand): 5'-TACCCAGCCCTTATCCCATTTCCTGCCCCATTCTCCTCACTCACCTCCAGGTTCTCCTAG[G>C]TGGGCAGGTGTAAGGCCCTCAGGGAAACCAATCTGTGATAGGTCCTCACTGGGCAGCACT-3'
Protein context (NP_003473.3, residues 118-138): IGFPEGLTPA[His128Gln]LGEPGGSCWA